The following is an entry in ClinVar:

NM_016507.4(CDK12):c.1579C>A (p.Pro527Thr)

Gene: CDK12 (cyclin dependent kinase 12; plus strand). Cytogenetic location: 17q12.
Variant type: single nucleotide variant.
Coding change: c.1579C>A on transcript NM_016507.4 (MANE Select); coding-DNA position 1579, C replaced by A.
Protein change: p.Pro527Thr; replaces proline 527 with threonine.
Molecular consequence: missense variant.
Genome position (GRCh38, 1-based): chr17:39,471,411, C>A. VCF-style: chr17-39471411-C-A. GRCh37 (hg19) VCF-style: chr17-37627664-C-A.
Other names: c.1579C>A (NM_016507.2); c.1579C>A, p.Pro527Thr (NM_015083.4); short protein forms P527T.
Identifiers: ClinVar variation 133870 (VCV000133870.2), dbSNP rs587778182, ClinGen allele CA158034.

ClinVar aggregate classification (germline): Uncertain significance. Review status: criteria provided, single submitter (1 of 4 stars). 2 submissions from 2 submitters: Uncertain significance (1). 1 of the submissions does not count toward it. Last evaluated 2025-11-27.

Submissions (2):

Ambry Genetics
Classification: Uncertain significance. Last evaluated: 2025-11-27. Review status: criteria provided, single submitter. Criteria: Ambry Variant Classification Scheme 2023. Collection method: clinical testing. Allele origin: germline.
Comment: The p.P527T variant (also known as c.1579C>A), located in coding exon 2 of the CDK12 gene, results from a C to A substitution at nucleotide position 1579. The proline at codon 527 is replaced by threonine, an amino acid with highly similar properties. This amino acid position is conserved. In addition, this alteration is predicted to be tolerated by in silico analysis. Based on the available evidence, the clinical significance of this variant remains unclear.

ITMI
No classification provided. Condition: AllHighlyPenetrant. Last evaluated: 2013-09-19. Review status: no classification provided. Collection method: reference population. Allele origin: germline. Not counted in ClinVar's aggregate classification.
Comment: Please see associated publication for description of ethnicities

Literature cited by the submitters: PubMed 24728327 (cited by ITMI).